The following is an entry in ClinVar:

NM_002122.5(HLA-DQA1):c.82+1404G>C

Gene: HLA-DQA1 (major histocompatibility complex, class II, DQ alpha 1; plus strand). Cytogenetic location: 6p21.32.
Variant type: single nucleotide variant.
Coding change: c.82+1404G>C on transcript NM_002122.5 (MANE Select); 1404 bases into the intron after coding-DNA position 82, G replaced by C.
Molecular consequence: intron variant.
Genome position (GRCh38, 1-based): chr6:32,638,944, G>C. VCF-style: chr6-32638944-G-C. GRCh37 (hg19) VCF-style: chr6-32606721-G-C.
Identifiers: ClinVar variation 2656468 (VCV002656468.24), dbSNP rs75983419, ClinGen allele CA566391535.

ClinVar aggregate classification (germline): Likely benign (1 of 4 stars; one submission).

gnomAD v4.1: 120 of 347,116 alleles (0.035%); highest among the groups gnomAD compares: African/African-American, 0.071%; 11 homozygotes.

Submission:

CeGaT Center for Human Genetics Tuebingen
Classification: Likely benign. Last evaluated: 2022-12-01. Review status: criteria provided, single submitter. Criteria: CeGaT Center For Human Genetics Tuebingen Variant Classification Criteria Version 2. Collection method: clinical testing. Allele origin: germline. Affected: yes. Observed: 1 variant allele.
Comment: HLA-DQA1: BS2